The following is an entry in ClinVar:

NM_015335.5(MED13L):c.710A>G (p.Glu237Gly)

Gene: MED13L (mediator complex subunit 13L; minus strand). Cytogenetic location: 12q24.21.
Variant type: single nucleotide variant.
Coding change: c.710A>G on transcript NM_015335.5 (MANE Select); coding-DNA position 710, A replaced by G.
Protein change: p.Glu237Gly; replaces glutamic acid 237 with glycine.
Molecular consequence: missense variant.
Genome position (GRCh38, 1-based): chr12:116,019,888, T>C on the plus strand (A>G on the coding strand, the complement: MED13L is on the minus strand). VCF-style: chr12-116019888-T-C. GRCh37 (hg19) VCF-style: chr12-116457693-T-C.
Other names: short protein forms E237G.
Identifiers: ClinVar variation 4294095 (VCV004294095.1).

ClinVar aggregate classification (germline): Uncertain significance (1 of 4 stars; one submission).

Conditions:
Cardiac anomalies - developmental delay - facial dysmorphism syndrome (MRFACD). Also called: Impaired intellectual development and distinctive facial features with or without cardiac defects; MED13L Syndrome. Identifiers: Orphanet 369891, MedGen C5192431, MONDO:0014773, OMIM 616789.

Submission:

3billion
Classification: Uncertain significance for Cardiac anomalies - developmental delay - facial dysmorphism syndrome. Last evaluated: 2025-01-10. Review status: criteria provided, single submitter. Criteria: ACMG Guidelines, 2015. Collection method: clinical testing. Allele origin: germline. Affected: yes.
Comment: The variant is not observed in the gnomAD v4.1.0 dataset. Predicted Consequence/Location: Missense variant In silico tool predictions suggest damaging effect of the variant on gene or gene product [REVEL: 0.60 (>=0.6, sensitivity 0.68 and specificity 0.92)]. Therefore, this variant is classified as VUS according to the recommendation of ACMG/AMP guideline.